The following is an entry in ClinVar:

NM_002693.3(POLG):c.3293A>T (p.Asn1098Ile)

Gene: POLG (DNA polymerase gamma, catalytic subunit; minus strand). Cytogenetic location: 15q26.1.
Variant type: single nucleotide variant.
Coding change: c.3293A>T on transcript NM_002693.3 (MANE Select); coding-DNA position 3293, A replaced by T.
Protein change: p.Asn1098Ile; replaces asparagine 1098 with isoleucine.
Molecular consequence: missense variant.
Genome position (GRCh38, 1-based): chr15:89,318,730, T>A on the plus strand (A>T on the coding strand, the complement: POLG is on the minus strand). VCF-style: chr15-89318730-T-A. GRCh37 (hg19) VCF-style: chr15-89861961-T-A.
Other names: c.3293A>T, p.Asn1098Ile (NM_001126131.2); short protein forms N1098I.
Identifiers: ClinVar variation 619433 (VCV000619433.1), dbSNP rs587780421, ClinGen allele CA10602266.

ClinVar aggregate classification (germline): Uncertain significance (1 of 4 stars; one submission).

Conditions:
Progressive sclerosing poliodystrophy (MTDPS4A). Also called: Alpers-Huttenlocher Syndrome (AHS); Alpers Syndrome; ALPERS PROGRESSIVE INFANTILE POLIODYSTROPHY; Mitochondrial DNA depletion syndrome 4A (Alpers type); ALPERS DIFFUSE DEGENERATION OF CEREBRAL GRAY MATTER WITH HEPATIC CIRRHOSIS; Alpers-Huttenlocher Syndrome. Identifiers: Orphanet 726, MedGen C0205710, MONDO:0008758, OMIM 203700.

Submission:

Wong Mito Lab, Molecular and Human Genetics, Baylor College of Medicine
Classification: Uncertain significance for Progressive sclerosing poliodystrophy. Last evaluated: 2018-10-01. Review status: criteria provided, single submitter. Criteria: ACMG Guidelines, 2015. Collection method: clinical testing. Allele origin: germline.
Comment: The NM_002693.2:c.3293A>T (NP_002684.1:p.Asn1098Ile) [GRCH38: NC_000015.10:g.89318730T>A] variant in POLG gene is interpretated to be a Uncertain Significance based on ACMG guidelines (PMID: 25741868). This variant meets the following evidence codes reported in the ACMG-guideline. PM2:This variant is absent in key population databases. PP2:This is a missense variant in POLG with a low rate of benign and high rate of pathogenic missense variations. PP3:Computational evidence/predictors indicate the variant has deleterious effect on POLG structure, function, or protein-protein interaction. Based on the evidence criteria codes applied, the variant is suggested to be Uncertain Significance.